The following is an entry in ClinVar:

NM_012418.4(FSCN2):c.265C>G (p.Arg89Gly)

Gene: FSCN2 (fascin actin-bundling protein 2, retinal; plus strand). Cytogenetic location: 17q25.3.
Variant type: single nucleotide variant.
Coding change: c.265C>G on transcript NM_012418.4 (MANE Select); coding-DNA position 265, C replaced by G.
Protein change: p.Arg89Gly; replaces arginine 89 with glycine.
Molecular consequence: missense variant.
Genome position (GRCh38, 1-based): chr17:81,528,796, C>G. VCF-style: chr17-81528796-C-G. GRCh37 (hg19) VCF-style: chr17-79495822-C-G.
Other names: c.265C>G (NM_001077182.2); c.265C>G, p.Arg89Gly (NM_001077182.3); short protein forms R89G.
Identifiers: ClinVar variation 2820521 (VCV002820521.4), dbSNP rs782187587, ClinGen allele CA401470403.

ClinVar aggregate classification (germline): Uncertain significance. Review status: criteria provided, multiple submitters, no conflicts (2 of 4 stars). 2 submissions from 2 submitters: Uncertain significance (2). Last evaluated 2024-08-11.

gnomAD v4.1: 2 of 1,564,554 alleles (0.00013%); highest among the groups gnomAD compares: South Asian, 0.0012%; no homozygotes.

Submissions (2):

Ambry Genetics
Classification: Uncertain significance. Last evaluated: 2024-08-11. Review status: criteria provided, single submitter. Criteria: Ambry Variant Classification Scheme 2023. Collection method: clinical testing. Allele origin: germline.

Labcorp Genetics (formerly Invitae), Labcorp
Classification: Uncertain significance. Last evaluated: 2023-07-27. Review status: criteria provided, single submitter. Criteria: Invitae Variant Classification Sherloc (09022015). Collection method: clinical testing. Allele origin: germline.
Comment: This variant is present in population databases (no rsID available, gnomAD no frequency). This sequence change replaces arginine, which is basic and polar, with glycine, which is neutral and non-polar, at codon 89 of the FSCN2 protein (p.Arg89Gly). This variant has not been reported in the literature in individuals affected with FSCN2-related conditions. In summary, the available evidence is currently insufficient to determine the role of this variant in disease. Therefore, it has been classified as a Variant of Uncertain Significance. An algorithm developed to predict the effect of missense changes on protein structure and function (PolyPhen-2) suggests that this variant is likely to be disruptive.